The following is an entry in ClinVar:

NM_001148.6(ANK2):c.8726C>G (p.Pro2909Arg)

Gene: ANK2 (ankyrin 2; plus strand). Cytogenetic location: 4q26.
Variant type: single nucleotide variant.
Coding change: c.8726C>G on transcript NM_001148.6 (MANE Select); coding-DNA position 8726, C replaced by G.
Protein change: p.Pro2909Arg; replaces proline 2909 with arginine.
Molecular consequence: missense variant. On other transcripts: intron variant (68).
Genome position (GRCh38, 1-based): chr4:113,357,344, C>G. VCF-style: chr4-113357344-C-G. GRCh37 (hg19) VCF-style: chr4-114278500-C-G.
Other names: c.8492C>G, p.Pro2831Arg (NM_001386142.1); c.5126C>G, p.Pro1709Arg (NM_001386166.1); c.8867C>G, p.Pro2956Arg (NM_001386174.1); c.8843C>G, p.Pro2948Arg (NM_001386175.1); c.4412-3479C>G (NM_001386186.2, NM_001386148.2); c.4214-3479C>G (NM_001354269.3); c.4292-3479C>G (NM_001386187.2); c.4253-3479C>G (NM_001386147.1); and 35 more; short protein forms P1709R, P2831R, P2909R, P2948R, P2956R.
Identifiers: ClinVar variation 4858088 (VCV004858088.1).

ClinVar aggregate classification (germline): Uncertain significance (1 of 4 stars; one submission).

Conditions:
Cardiovascular phenotype. Identifiers: MedGen CN230736.

gnomAD v4.1: 1 of 1,614,052 alleles (0.000062%); highest among the groups gnomAD compares: Non-Finnish European, 0.000085%; no homozygotes.

Submission:

Ambry Genetics
Classification: Uncertain significance for Cardiovascular phenotype. Last evaluated: 2026-03-29. Review status: criteria provided, single submitter. Criteria: Ambry Variant Classification Scheme 2023. Collection method: clinical testing. Allele origin: germline.
Comment: The p.P2909R variant (also known as c.8726C>G), located in coding exon 38 of the ANK2 gene, results from a C to G substitution at nucleotide position 8726. The proline at codon 2909 is replaced by arginine, an amino acid with dissimilar properties. This amino acid position is conserved. In addition, this alteration is predicted to be tolerated by in silico analysis. Based on the available evidence, the clinical significance of this variant remains unclear.